The following is an entry in ClinVar:

NM_003748.4(ALDH4A1):c.1379_1380delinsGC (p.Asp460Gly)

Genes: ALDH4A1 (aldehyde dehydrogenase 4 family member A1; minus strand), LOC120893116 (Sharpr-MPRA regulatory region 7483; plus strand). Cytogenetic location: 1p36.13.
Variant type: Indel.
Coding change: c.1379_1380delinsGC on transcript NM_003748.4 (MANE Select); coding-DNA positions 1379 to 1380, AT replaced by GC.
Protein change: p.Asp460Gly; replaces aspartic acid 460 with glycine.
Molecular consequence: missense variant.
Genome position (GRCh38, 1-based): chr1:18,875,462-18,875,463, AT replaced by GC on the plus strand (AT replaced by GC on the coding strand, the reverse complement: ALDH4A1 is on the minus strand). VCF-style: chr1-18875462-AT-GC. GRCh37 (hg19) VCF-style: chr1-19201956-AT-GC.
Other names: c.1199_1200delinsGC, p.Asp400Gly (NM_001161504.2); c.1226_1227delinsGC, p.Asp409Gly (NM_001319218.2); c.1379_1380delinsGC, p.Asp460Gly (NM_170726.3); short protein forms D460G, D409G, D400G.
Identifiers: ClinVar variation 2201073 (VCV002201073.3), dbSNP rs2522537986, ClinGen allele CA2580061407.
Genomic context (GRCh38, chr1:18,875,462, plus strand): 5'-CCCCGTGAGGCCATAGCTGGTGGTGCTGTCAACCAGCTGCAGCGTCTCCTTGTACTTGTC[AT>GC]CCGGGTAGACGTACACAGACAGTACAGGCCCGAAGATCTCCTAGGAGAGAGGCCCCGGCG-3'
Protein context (NP_003739.2, residues 450-470): GPVLSVYVYP[Asp460Gly]DKYKETLQLV

ClinVar aggregate classification (germline): Uncertain significance (1 of 4 stars; one submission).

Conditions:
Hyperprolinemia type 2 (HYRPRO2). Also called: Deficiency of pyrroline-5-carboxylate reductase; Delta-1-pyrroline-5-carboxylate dehydrogenase deficiency; 1-PYRROLINE-5-CARBOXYLATE DEHYDROGENASE DEFICIENCY. Identifiers: Orphanet 79101, MedGen C2931835, MONDO:0009401, OMIM 239510.

Submission:

Labcorp Genetics (formerly Invitae), Labcorp
Classification: Uncertain significance for Hyperprolinemia type 2. Last evaluated: 2025-06-01. Review status: criteria provided, single submitter. Criteria: Invitae Variant Classification Sherloc (09022015). Collection method: clinical testing. Allele origin: germline.
Comment: This sequence change replaces aspartic acid, which is acidic and polar, with glycine, which is neutral and non-polar, at codon 460 of the ALDH4A1 protein (p.Asp460Gly). This variant is present in population databases (no rsID available, gnomAD 0.008%). This variant has not been reported in the literature in individuals affected with ALDH4A1-related conditions. ClinVar contains an entry for this variant (Variation ID: 2201073). An algorithm developed to predict the effect of missense changes on protein structure and function (PolyPhen-2) suggests that this variant is likely to be disruptive. In summary, the available evidence is currently insufficient to determine the role of this variant in disease. Therefore, it has been classified as a Variant of Uncertain Significance.